The following is an entry in ClinVar:

NM_004360.5(CDH1):c.423_424dup (p.Phe142fs)

Gene: CDH1 (cadherin 1; plus strand). Cytogenetic location: 16q22.1.
Variant type: Duplication.
Coding change: c.423_424dup on transcript NM_004360.5 (MANE Select); coding-DNA positions 423 to 424, 2 bases duplicated (AT; older notation c.423_424dupAT).
Protein change: p.Phe142fs; shifts the reading frame from phenylalanine 142.
Molecular consequence: frameshift variant. On other transcripts: 5 prime UTR variant (2).
Genome position (GRCh38, 1-based): chr16:68,808,459-68,808,460, AT duplicated. VCF-style (leftmost placement, unchanged base first): chr16-68808458-C-CAT. GRCh37 (hg19) VCF-style: chr16-68842361-C-CAT.
Other names: c.423_424dup, p.Phe142fs (NM_001317184.2); c.-1193_-1192dup (NM_001317185.2); c.-1397_-1396dup (NM_001317186.2); short protein forms F142fs.
Identifiers: ClinVar variation 2035948 (VCV002035948.5), dbSNP rs2543914479, ClinGen allele CA2580091917.

ClinVar aggregate classification (germline): Pathogenic. Review status: criteria provided, multiple submitters, no conflicts (2 of 4 stars). 2 submissions from 2 submitters: Pathogenic (2). Last evaluated 2022-10-18.

Conditions:
Hereditary diffuse gastric adenocarcinoma (HDGC). Also called: DIFFUSE GASTRIC AND LOBULAR BREAST CANCER SYNDROME. Identifiers: Orphanet 26106, MedGen C1708349, MONDO:0007648, OMIM 137215.

Submissions (2):

Labcorp Genetics (formerly Invitae), Labcorp
Classification: Pathogenic for Hereditary diffuse gastric adenocarcinoma. Last evaluated: 2022-10-18. Review status: criteria provided, single submitter. Criteria: Invitae Variant Classification Sherloc (09022015). Collection method: clinical testing. Allele origin: germline.
Comment: This variant has not been reported in the literature in individuals affected with CDH1-related conditions. For these reasons, this variant has been classified as Pathogenic. This variant is not present in population databases (gnomAD no frequency). This sequence change creates a premature translational stop signal (p.Phe142Tyrfs*74) in the CDH1 gene. It is expected to result in an absent or disrupted protein product. Loss-of-function variants in CDH1 are known to be pathogenic (PMID: 15235021, 20373070).

Clinical Genetics Laboratory, Skane University Hospital Lund
Classification: Pathogenic. Last evaluated: 2022-05-27. Review status: criteria provided, single submitter. Criteria: ACMG Guidelines, 2015. Collection method: clinical testing. Allele origin: germline. Affected: yes.

Literature cited by the submitters: PubMed 15235021 (cited by Labcorp Genetics (formerly Invitae), Labcorp); PubMed 20373070 (cited by Labcorp Genetics (formerly Invitae), Labcorp).